The following is an entry in ClinVar:

ClinVar aggregate classification (germline): Uncertain significance (1 of 4 stars; one submission).

Conditions:
Dyskeratosis congenita, autosomal dominant 1 (DKCA1). Also called: Dyskeratosis congenita Scoggins type. Identifiers: Orphanet 1775, MedGen C4551974, MONDO:0007485, OMIM 127550. Inheritance: Variable.

Allele frequency attached by ClinVar (database versions not stated): TOPMed below 0.00001; gnomAD 0.00001; gnomAD exomes 0.00002 and 0.00004.
gnomAD v4.1: 25 of 712,290 alleles (0.0035%); highest among the groups gnomAD compares: East Asian, 0.062%; no homozygotes.

Submission:

Labcorp Genetics (formerly Invitae), Labcorp
Classification: Uncertain significance for Dyskeratosis congenita, autosomal dominant 1. Last evaluated: 2026-02-02. Review status: criteria provided, single submitter. Criteria: Invitae Variant Classification Sherloc (09022015). Collection method: clinical testing. Allele origin: germline.
Comment: This variant occurs in the TERC gene, which encodes an RNA molecule that does not result in a protein product. This variant is present in population databases (no rsID available, gnomAD 0.02%). This variant has not been reported in the literature in individuals affected with TERC-related conditions. ClinVar contains an entry for this variant (Variation ID: 936172). This variant is located within the BoxH/ACA scaRNA domain of the TERC RNA component, which is required for telomerase activity (PMID: 21844345). In summary, the available evidence is currently insufficient to determine the role of this variant in disease. Therefore, it has been classified as a Variant of Uncertain Significance.

Literature cited by the submitters: PubMed 21844345.

NC_000003.12:g.169764631G>C

Gene: TERC (telomerase RNA component; minus strand). Cytogenetic location: 3q26.2.
Variant type: single nucleotide variant.
Genome position: GRCh38 VCF-style: chr3-169764631-G-C. GRCh37 (hg19) VCF-style: chr3-169482419-G-C.
Identifiers: ClinVar variation 936172 (VCV000936172.7), dbSNP rs1230531511, ClinGen allele CA436714752.